The following is an entry in ClinVar:

ClinVar aggregate classification (germline): Uncertain significance. Review status: criteria provided, multiple submitters, no conflicts (2 of 4 stars). 3 submissions from 3 submitters: Uncertain significance (2). 1 of the submissions does not count toward it. Last evaluated 2025-07-15.

Conditions:
Inborn genetic diseases. Identifiers: MedGen C0950123, MeSH D030342.
Hereditary hemochromatosis (HFE). Identifiers: MedGen C0392514, MONDO:0006507. Disease mechanism: loss of function.
Hemochromatosis type 3 (HFE3). Also called: TFR2-Related Hemochromatosis; Hereditary hemochromatosis type 3; HEMOCHROMATOSIS DUE TO DEFECT IN TRANSFERRIN RECEPTOR 2. Identifiers: Orphanet 225123, MedGen C1858664, MONDO:0011417, OMIM 604250.

Allele frequency attached by ClinVar (database versions not stated): gnomAD exomes 0.00007 and 0.00003; 1000 Genomes Project 30x 0.00016; 1000 Genomes Project 0.00020; gnomAD 0.00001 and 0.00003; ExAC 0.00006.
gnomAD v4.1: 53 of 1,613,896 alleles (0.0033%); highest among the groups gnomAD compares: South Asian, 0.041%; no homozygotes.

Submissions (3):

Ambry Genetics
Classification: Uncertain significance for Inborn genetic diseases. Last evaluated: 2025-07-15. Review status: criteria provided, single submitter. Criteria: Ambry Variant Classification Scheme 2023. Collection method: clinical testing. Allele origin: germline.

Labcorp Genetics (formerly Invitae), Labcorp
Classification: Uncertain significance for Hereditary hemochromatosis. Last evaluated: 2021-09-01. Review status: criteria provided, single submitter. Criteria: Invitae Variant Classification Sherloc (09022015). Collection method: clinical testing. Allele origin: germline.
Comment: This sequence change replaces valine with methionine at codon 484 of the TFR2 protein (p.Val484Met). The valine residue is highly conserved and there is a small physicochemical difference between valine and methionine. This variant is present in population databases (rs533880980, ExAC 0.04%). This variant has not been reported in the literature in individuals affected with TFR2-related conditions. Algorithms developed to predict the effect of missense changes on protein structure and function are either unavailable or do not agree on the potential impact of this missense change (SIFT: "Deleterious"; PolyPhen-2: "Probably Damaging"; Align-GVGD: "Class C15"). In summary, the available evidence is currently insufficient to determine the role of this variant in disease. Therefore, it has been classified as a Variant of Uncertain Significance.

Natera, Inc.
Classification: Uncertain significance for Hereditary hemochromatosis type 3. Last evaluated: 2020-04-16. Review status: no assertion criteria provided. Collection method: clinical testing. Allele origin: germline. Not counted in ClinVar's aggregate classification.

NM_003227.4(TFR2):c.1450G>A (p.Val484Met)

Gene: TFR2 (transferrin receptor 2; minus strand). Cytogenetic location: 7q22.1.
Variant type: single nucleotide variant.
Coding change: c.1450G>A on transcript NM_003227.4 (MANE Select); coding-DNA position 1450, G replaced by A.
Protein change: p.Val484Met; replaces valine 484 with methionine.
Molecular consequence: missense variant.
Genome position (GRCh38, 1-based): chr7:100,628,247, C>T on the plus strand (G>A on the coding strand, the complement: TFR2 is on the minus strand). VCF-style: chr7-100628247-C-T. GRCh37 (hg19) VCF-style: chr7-100225870-C-T.
Other names: c.937G>A, p.Val313Met (NM_001206855.3); short protein forms V484M, V313M.
Identifiers: ClinVar variation 965373 (VCV000965373.8), dbSNP rs533880980, ClinGen allele CA4386443.